The following is an entry in ClinVar:

NM_001254.4(CDC6):c.1201G>T (p.Val401Leu)

Gene: CDC6 (cell division cycle 6; plus strand). Cytogenetic location: 17q21.2.
Variant type: single nucleotide variant.
Coding change: c.1201G>T on transcript NM_001254.4 (MANE Select); coding-DNA position 1201, G replaced by T.
Protein change: p.Val401Leu; replaces valine 401 with leucine.
Molecular consequence: missense variant.
Genome position (GRCh38, 1-based): chr17:40,296,719, G>T. VCF-style: chr17-40296719-G-T. GRCh37 (hg19) VCF-style: chr17-38452971-G-T.
Other names: short protein forms V401L.
Identifiers: ClinVar variation 4715047 (VCV004715047.1).

ClinVar aggregate classification (germline): Uncertain significance (1 of 4 stars; one submission).

Submission:

Labcorp Genetics (formerly Invitae), Labcorp
Classification: Uncertain significance. Last evaluated: 2025-03-13. Review status: criteria provided, single submitter. Criteria: Invitae Variant Classification Sherloc (09022015). Collection method: clinical testing. Allele origin: germline.
Comment: This sequence change replaces valine, which is neutral and non-polar, with leucine, which is neutral and non-polar, at codon 401 of the CDC6 protein (p.Val401Leu). This variant is not present in population databases (gnomAD no frequency). This variant has not been reported in the literature in individuals affected with CDC6-related conditions. An algorithm developed to predict the effect of missense changes on protein structure and function (PolyPhen-2) suggests that this variant is likely to be disruptive. In summary, the available evidence is currently insufficient to determine the role of this variant in disease. Therefore, it has been classified as a Variant of Uncertain Significance.